The following is an entry in ClinVar:

ClinVar aggregate classification (germline): Uncertain significance. Review status: criteria provided, single submitter (1 of 4 stars). 2 submissions from 2 submitters: Uncertain significance (1). 1 of the submissions does not count toward it. Last evaluated 2017-04-28.

Conditions:
CD36-related disorder. Also called: CD36-related disorders; CD36-related condition.
Platelet-type bleeding disorder 10. Also called: CD36 DEFICIENCY. Identifiers: MedGen C1842090, MONDO:0012031, OMIM 608404.

Allele frequency attached by ClinVar (database versions not stated): gnomAD exomes 0.00004 and 0.00001; gnomAD 0.00001; ExAC 0.00002; TOPMed 0.00001.
gnomAD v4.1: 11 of 1,603,802 alleles (0.00069%); highest among the groups gnomAD compares: Admixed American, 0.018%; no homozygotes.

Submissions (2):

Illumina Laboratory Services, Illumina
Classification: Uncertain significance for Platelet-type bleeding disorder 10. Last evaluated: 2017-04-28. Review status: criteria provided, single submitter. Criteria: ICSL Variant Classification Criteria 13 December 2019. Collection method: clinical testing. Allele origin: germline.

PreventionGenetics, part of Exact Sciences
Classification: Likely benign for CD36-related condition. Last evaluated: 2019-06-06. Review status: no assertion criteria provided. Collection method: clinical testing. Allele origin: germline. Not counted in ClinVar's aggregate classification.
Comment: This variant is classified as likely benign based on ACMG/AMP sequence variant interpretation guidelines (Richards et al. 2015 PMID: 25741868, with internal and published modifications).

NM_001001548.3(CD36):c.819-8G>A

Gene: CD36 (CD36 molecule (CD36 blood group); plus strand). Cytogenetic location: 7q21.11.
Variant type: single nucleotide variant.
Coding change: c.819-8G>A on transcript NM_001001548.3 (MANE Select); 8 bases into the intron before coding-DNA position 819, G replaced by A.
Molecular consequence: intron variant.
Genome position (GRCh38, 1-based): chr7:80,670,969, G>A. VCF-style: chr7-80670969-G-A. GRCh37 (hg19) VCF-style: chr7-80300285-G-A.
Other names: c.819-8G>A (NM_001371075.1, NM_001001547.3, NM_001371074.1 and 5 more transcripts); c.354-8G>A (NM_001371081.1, NM_001371080.1); c.591-8G>A (NM_001289911.2); c.717-8G>A (NM_001371079.1); c.639-8G>A (NM_001289909.1); c.702-8G>A (NM_001289908.1).
Identifiers: ClinVar variation 908989 (VCV000908989.6), dbSNP rs769908351, ClinGen allele CA4315451.
Genomic context (GRCh38, chr7:80,670,969, plus strand): 5'-AGAAAAAATGAATCTCCAGAATGTAAGTTCAGGTTCCTGGAATGCAGCTCTTTTTTCTCT[G>A]TATTTAGGTCAATCTATGCTGTATTTGAATCCGACGTTAATCTGAAAGGAATCCCTGTGT-3'